The following is an entry in ClinVar:

ClinVar aggregate classification (germline): Pathogenic (1 of 4 stars; one submission).

Submission:

Labcorp Genetics (formerly Invitae), Labcorp
Classification: Pathogenic. Last evaluated: 2022-11-12. Review status: criteria provided, single submitter. Criteria: Invitae Variant Classification Sherloc (09022015). Collection method: clinical testing. Allele origin: germline.
Comment: For these reasons, this variant has been classified as Pathogenic. This sequence change creates a premature translational stop signal (p.Tyr588*) in the CNGA1 gene. While this is not anticipated to result in nonsense mediated decay, it is expected to disrupt the last 103 amino acid(s) of the CNGA1 protein. This variant is not present in population databases (gnomAD no frequency). This variant has not been reported in the literature in individuals affected with CNGA1-related conditions. This variant disrupts a region of the CNGA1 protein in which other variant(s) (p.Arg658Aspfs*2) have been determined to be pathogenic (PMID: 7479749). This suggests that this is a clinically significant region of the protein, and that variants that disrupt it are likely to be disease-causing.

Literature cited by the submitters: PubMed 7479749.

NM_001379270.1(CNGA1):c.1752C>A (p.Tyr584Ter)

Genes: CNGA1 (cyclic nucleotide gated channel subunit alpha 1; minus strand), LOC101927157 (uncharacterized LOC101927157; plus strand). Cytogenetic location: 4p12.
Variant type: single nucleotide variant.
Coding change: c.1752C>A on transcript NM_001379270.1 (MANE Select); coding-DNA position 1752, C replaced by A.
Protein change: p.Tyr584Ter; replaces tyrosine 584 with a stop codon.
Molecular consequence: nonsense.
Genome position (GRCh38, 1-based): chr4:47,936,730, G>T on the plus strand (C>A on the coding strand, the complement: CNGA1 is on the minus strand). VCF-style: chr4-47936730-G-T. GRCh37 (hg19) VCF-style: chr4-47938747-G-T.
Other names: c.1752C>A, p.Tyr584Ter (NM_000087.5, NM_001142564.2); short protein forms Y584*.
Identifiers: ClinVar variation 2813854 (VCV002813854.3), dbSNP rs1176571450, ClinGen allele CA356823948.